The following is an entry in ClinVar:

ClinVar aggregate classification (germline): Uncertain significance (1 of 4 stars; one submission).

Allele frequency attached by ClinVar (database versions not stated): gnomAD exomes below 0.00001.
gnomAD v4.1: 1 of 1,614,124 alleles (0.000062%); highest among the groups gnomAD compares: South Asian, 0.0011%; no homozygotes.

Submission:

Labcorp Genetics (formerly Invitae), Labcorp
Classification: Uncertain significance. Last evaluated: 2023-12-13. Review status: criteria provided, single submitter. Criteria: Invitae Variant Classification Sherloc (09022015). Collection method: clinical testing. Allele origin: germline.
Comment: This sequence change replaces serine, which is neutral and polar, with proline, which is neutral and non-polar, at codon 753 of the SETBP1 protein (p.Ser753Pro). This variant is present in population databases (no rsID available, gnomAD 0.003%). This variant has not been reported in the literature in individuals affected with SETBP1-related conditions. Advanced modeling of protein sequence and biophysical properties (such as structural, functional, and spatial information, amino acid conservation, physicochemical variation, residue mobility, and thermodynamic stability) performed at Invitae indicates that this missense variant is not expected to disrupt SETBP1 protein function with a negative predictive value of 80%. In summary, the available evidence is currently insufficient to determine the role of this variant in disease. Therefore, it has been classified as a Variant of Uncertain Significance.

NM_015559.3(SETBP1):c.2257T>C (p.Ser753Pro)

Gene: SETBP1 (SET binding protein 1; plus strand). Cytogenetic location: 18q12.3.
Variant type: single nucleotide variant.
Coding change: c.2257T>C on transcript NM_015559.3 (MANE Select); coding-DNA position 2257, T replaced by C.
Protein change: p.Ser753Pro; replaces serine 753 with proline.
Molecular consequence: missense variant.
Genome position (GRCh38, 1-based): chr18:44,951,597, T>C. VCF-style: chr18-44951597-T-C. GRCh37 (hg19) VCF-style: chr18-42531562-T-C.
Other names: c.2257T>C, p.Ser753Pro (NM_001379141.1, NM_001379142.1, NM_001410862.1); short protein forms S753P.
Identifiers: ClinVar variation 2702839 (VCV002702839.3), dbSNP rs1241272374, ClinGen allele CA402320737.